The following is an entry in ClinVar:

ClinVar aggregate classification (germline): Pathogenic/Likely pathogenic. Review status: criteria provided, multiple submitters, no conflicts (2 of 4 stars). 3 submissions from 3 submitters: Pathogenic (1); Likely pathogenic (1). 1 of the submissions does not count toward it. Last evaluated 2026-01-26.

Conditions:
Glycogen phosphorylase kinase deficiency. Also called: Phosphorylase Kinase Deficiency; Glycogen Storage Disease Type IX. Identifiers: Orphanet 370, MedGen C0268147, MONDO:0700291.
Glycogen storage disease IXb (GSD9B). Also called: PHOSPHORYLASE KINASE DEFICIENCY OF LIVER AND MUSCLE, AUTOSOMAL RECESSIVE; GLYCOGENOSIS OF LIVER AND MUSCLE, AUTOSOMAL RECESSIVE; GSD IXb. Identifiers: Orphanet 79240, MedGen C0543514, MONDO:0009868, OMIM 261750.

Allele frequency attached by ClinVar (database versions not stated): gnomAD exomes below 0.00001 and 0.00001; TOPMed below 0.00001; gnomAD 0.00001.
gnomAD v4.1: 6 of 1,602,790 alleles (0.00037%); highest among the groups gnomAD compares: Admixed American, 0.0067%; no homozygotes.

Submissions (3):

Labcorp Genetics (formerly Invitae), Labcorp
Classification: Likely pathogenic for Glycogen storage disease IXb. Last evaluated: 2026-01-26. Review status: criteria provided, single submitter. Criteria: Invitae Variant Classification Sherloc (09022015). Collection method: clinical testing. Allele origin: germline.
Comment: This sequence change affects an acceptor splice site in intron 3 of the PHKB gene. RNA analysis indicates that disruption of this splice site induces altered splicing and may result in an absent or altered protein product. This variant is present in population databases (rs797044442, gnomAD 0.006%). Disruption of this splice site has been observed in individual(s) with glycogen storage disease (PMID: 9402963). This variant is also known as IVS4 [–2A>G]. ClinVar contains an entry for this variant (Variation ID: 13619). Studies have shown that disruption of this splice site results in skipping of exon 4, and produces a non-functional protein and/or introduces a premature termination codon (PMID: 9402963). In summary, the currently available evidence indicates that the variant is pathogenic, but additional data are needed to prove that conclusively. Therefore, this variant has been classified as Likely Pathogenic.

Women's Health and Genetics/Laboratory Corporation of America, LabCorp
Classification: Pathogenic for Glycogen phosphorylase kinase deficiency. Last evaluated: 2023-10-12. Review status: criteria provided, single submitter. Criteria: LabCorp Variant Classification Summary - May 2015. Collection method: clinical testing. Allele origin: germline.
Comment: Variant summary: PHKB c.306-2A>G is located in a canonical splice-site and is predicted to affect mRNA splicing resulting in a significantly altered protein due to either exon skipping, shortening, or inclusion of intronic material. Several computational tools predict a significant impact on normal splicing: Three predict the variant abolishes a 3 acceptor site. However, these predictions have yet to be confirmed by functional studies. The variant allele was found at a frequency of 1.2e-05 in 251128 control chromosomes (gnomAD). c.306-2A>G has been reported in the literature in one individual affected with Glycogen Phosphorylase Kinase Deficiency (Burwinkel_1997). These data indicate that the variant is very likely to be associated with disease. To our knowledge, no experimental evidence demonstrating an impact on protein function has been reported. The following publications have been ascertained in the context of this evaluation (PMID: 17689125, 33858366, 9402963). No submitters have cited clinical-significance assessments for this variant to ClinVar after 2014. Based on the evidence outlined above, the variant was classified as pathogenic.

OMIM
Classification: Pathogenic for GLYCOGEN STORAGE DISEASE IXb. Last evaluated: 1997-12-01. Review status: no assertion criteria provided. Collection method: literature only. Allele origin: germline. Not counted in ClinVar's aggregate classification.

Literature cited by the submitters: PubMed 9402963 (cited by 3 submitters); PubMed 17689125 (cited by Women's Health and Genetics/Laboratory Corporation of America, LabCorp); PubMed 33858366 (cited by Women's Health and Genetics/Laboratory Corporation of America, LabCorp).

NM_000293.3(PHKB):c.306-2A>G

Gene: PHKB (phosphorylase kinase regulatory subunit beta; plus strand). Cytogenetic location: 16q12.1.
Variant type: single nucleotide variant.
Coding change: c.306-2A>G on transcript NM_000293.3 (MANE Select); the canonical splice acceptor site of the intron before coding-DNA position 306, A replaced by G.
Molecular consequence: splice acceptor variant.
Genome position (GRCh38, 1-based): chr16:47,502,989, A>G. VCF-style: chr16-47502989-A-G. GRCh37 (hg19) VCF-style: chr16-47536900-A-G.
Other names: IVS4AS, A-G, -2; c.306-2A>G (NM_001363837.1); c.285-2A>G (NM_001031835.3).
Identifiers: ClinVar variation 13619 (VCV000013619.5), dbSNP rs797044442, ClinGen allele CA256913.